The following is an entry in ClinVar:

NM_001358921.2(COQ2):c.917C>T (p.Ala306Val)

Gene: COQ2 (coenzyme Q2, polyprenyltransferase; minus strand). Cytogenetic location: 4q21.23.
Variant type: single nucleotide variant.
Coding change: c.917C>T on transcript NM_001358921.2 (MANE Select); coding-DNA position 917, C replaced by T.
Protein change: p.Ala306Val; replaces alanine 306 with valine.
Molecular consequence: missense variant.
Genome position (GRCh38, 1-based): chr4:83,267,620, G>A on the plus strand (C>T on the coding strand, the complement: COQ2 is on the minus strand). VCF-style: chr4-83267620-G-A. GRCh37 (hg19) VCF-style: chr4-84188773-G-A.
Other names: c.1067C>T, p.Ala356Val (NM_015697.9); short protein forms A356V, A306V.
Identifiers: ClinVar variation 1465209 (VCV001465209.7), dbSNP rs1734951162, ClinGen allele CA357228947.

ClinVar aggregate classification (germline): Uncertain significance. Review status: criteria provided, multiple submitters, no conflicts (2 of 4 stars). 2 submissions from 2 submitters: Uncertain significance (2). Last evaluated 2024-04-24.

Allele frequency attached by ClinVar (database versions not stated): gnomAD exomes below 0.00001; TOPMed below 0.00001.

Submissions (2):

Women's Health and Genetics/Laboratory Corporation of America, LabCorp
Classification: Uncertain significance. Last evaluated: 2024-04-24. Review status: criteria provided, single submitter. Criteria: LabCorp Variant Classification Summary - May 2015. Collection method: clinical testing. Allele origin: germline.
Comment: Variant summary: COQ2 c.1067C>T (p.Ala356Val) results in a non-conservative amino acid change in the encoded protein sequence. Three of four in-silico tools predict a damaging effect of the variant on protein function. The variant allele was found at a frequency of 7e-07 in 1434288 control chromosomes gnomAD database (v4.0.0). The available data on variant occurrences in the general population are insufficient to allow any conclusion about variant significance. To our knowledge, no occurrence of c.1067C>T in individuals affected with Coenzyme Q10 Deficiency, Primary, 1 and no experimental evidence demonstrating its impact on protein function have been reported. ClinVar contains an entry for this variant (Variation ID: 1465209). Based on the evidence outlined above, the variant was classified as uncertain significance.

Labcorp Genetics (formerly Invitae), Labcorp
Classification: Uncertain significance. Last evaluated: 2023-08-04. Review status: criteria provided, single submitter. Criteria: Invitae Variant Classification Sherloc (09022015). Collection method: clinical testing. Allele origin: germline.
Comment: In summary, the available evidence is currently insufficient to determine the role of this variant in disease. Therefore, it has been classified as a Variant of Uncertain Significance. Advanced modeling of protein sequence and biophysical properties (such as structural, functional, and spatial information, amino acid conservation, physicochemical variation, residue mobility, and thermodynamic stability) performed at Invitae indicates that this missense variant is not expected to disrupt COQ2 protein function. ClinVar contains an entry for this variant (Variation ID: 1465209). This variant has not been reported in the literature in individuals affected with COQ2-related conditions. This sequence change replaces alanine, which is neutral and non-polar, with valine, which is neutral and non-polar, at codon 356 of the COQ2 protein (p.Ala356Val). This variant is not present in population databases (gnomAD no frequency).